The following is an entry in ClinVar:

ClinVar aggregate classification (germline): Benign. Review status: criteria provided, multiple submitters, no conflicts (2 of 4 stars). 7 submissions from 7 submitters: Benign (7). Last evaluated 2026-02-04.

Conditions:
Sitosterolemia 1. Identifiers: MedGen C2749759, MONDO:0020747, OMIM 210250.

Allele frequency attached by ClinVar (database versions not stated): ESP Exome Variant Server 0.00707; gnomAD exomes 0.01329 and 0.02198; gnomAD 0.01403 and 0.01429; 1000 Genomes Project 0.01458; 1000 Genomes Project 30x 0.01608; TOPMed 0.01636; ExAC 0.01959.
gnomAD v4.1: 21,237 of 1,602,728 alleles (1.3%); highest among the groups gnomAD compares: Admixed American, 8.3%; 390 homozygotes.

Submissions (7):

Labcorp Genetics (formerly Invitae), Labcorp
Classification: Benign. Last evaluated: 2026-02-04. Review status: criteria provided, single submitter. Criteria: Invitae Variant Classification Sherloc (09022015). Collection method: clinical testing. Allele origin: germline.

Blueprint Genetics
Classification: Benign. Last evaluated: 2024-11-26. Review status: criteria provided, single submitter. Criteria: ACMG Guidelines, 2015. Collection method: clinical testing. Allele origin: germline.

Women's Health and Genetics/Laboratory Corporation of America, LabCorp
Classification: Benign. Last evaluated: 2023-07-17. Review status: criteria provided, single submitter. Criteria: LabCorp Variant Classification Summary - May 2015. Collection method: clinical testing. Allele origin: germline.

Mayo Clinic Laboratories, Mayo Clinic
Classification: Benign. Last evaluated: 2022-03-10. Review status: criteria provided, single submitter. Criteria: ACMG Guidelines, 2015. Collection method: clinical testing. Allele origin: germline. Observed: 45 variant alleles.

GeneDx
Classification: Benign. Last evaluated: 2018-07-06. Review status: criteria provided, single submitter. Criteria: GeneDx Variant Classification Process June 2021. Collection method: clinical testing. Allele origin: germline. Affected: yes.

Illumina Laboratory Services, Illumina
Classification: Benign for Sitosterolemia 1. Last evaluated: 2018-01-12. Review status: criteria provided, single submitter. Criteria: ICSL Variant Classification Criteria 13 December 2019. Collection method: clinical testing. Allele origin: germline.
Comment: This variant was observed in the ICSL laboratory as part of a predisposition screen in an ostensibly healthy population. It had not been previously curated by ICSL or reported in the Human Gene Mutation Database (HGMD: prior to June 1st, 2018), and was therefore a candidate for classification through an automated scoring system. Utilizing variant allele frequency, disease prevalence and penetrance estimates, and inheritance mode, an automated score was calculated to assess if this variant is too frequent to cause the disease. Based on the score and internal cut-off values, a variant classified as benign is not then subjected to further curation. The score for this variant resulted in a classification of benign for this disease.

Breakthrough Genomics
Classification: Benign. Review status: criteria provided, single submitter. Criteria: ACMG Guidelines, 2015. Collection method: not provided. Allele origin: germline. Inheritance: Autosomal recessive inheritance. Affected: yes.

NM_022437.3(ABCG8):c.165+13C>T

Gene: ABCG8 (ATP binding cassette subfamily G member 8; plus strand). Cytogenetic location: 2p21.
Variant type: single nucleotide variant.
Coding change: c.165+13C>T on transcript NM_022437.3 (MANE Select); 13 bases into the intron after coding-DNA position 165, C replaced by T.
Molecular consequence: intron variant.
Genome position (GRCh38, 1-based): chr2:43,844,621, C>T. VCF-style: chr2-43844621-C-T. GRCh37 (hg19) VCF-style: chr2-44071760-C-T.
Other names: p.?; c.165+13C>T (NM_001357321.2).
Identifiers: ClinVar variation 336064 (VCV000336064.17), dbSNP rs75365565, ClinGen allele CA1636908.